The following is an entry in ClinVar:

NM_004329.3(BMPR1A):c.743T>C (p.Val248Ala)

Gene: BMPR1A (bone morphogenetic protein receptor type 1A; plus strand). Cytogenetic location: 10q23.2.
Variant type: single nucleotide variant.
Coding change: c.743T>C on transcript NM_004329.3 (MANE Select); coding-DNA position 743, T replaced by C.
Protein change: p.Val248Ala; replaces valine 248 with alanine.
Molecular consequence: missense variant.
Genome position (GRCh38, 1-based): chr10:86,917,201, T>C. VCF-style: chr10-86917201-T-C. GRCh37 (hg19) VCF-style: chr10-88676958-T-C.
Other names: short protein forms V248A.
Identifiers: ClinVar variation 925830 (VCV000925830.5), dbSNP rs1843584289, ClinGen allele CA377457474.
Genomic context (GRCh38, chr10:86,917,201, plus strand): 5'-GAACTATTGCCAAACAGATTCAGATGGTCCGGCAAGTTGGTAAAGGCCGATATGGAGAAG[T>C]ATGGATGGGCAAATGGCGTGGCGAAAAAGTGGCGGTGAAAGTATTCTTTACCACTGAAGA-3'
Protein context (NP_004320.2, residues 238-258): RQVGKGRYGE[Val248Ala]WMGKWRGEKV

ClinVar aggregate classification (germline): Uncertain significance (1 of 4 stars; one submission).

Conditions:
Hereditary cancer-predisposing syndrome. Also called: Neoplastic Syndromes, Hereditary; Tumor predisposition; Hereditary Cancer Syndrome; Hereditary neoplastic syndrome. Identifiers: Orphanet 140162, MedGen C0027672, MeSH D009386, MONDO:0015356.

Submission:

Color Diagnostics, LLC DBA Color Health
Classification: Uncertain significance for Hereditary cancer-predisposing syndrome. Last evaluated: 2023-12-05. Review status: criteria provided, single submitter. Criteria: ACMG Guidelines, 2015. Collection method: clinical testing. Allele origin: germline.
Comment: This missense variant replaces valine with alanine at codon 248 of the BMPR1A protein. Computational prediction tools and conservation analyses suggest that this variant may have deleterious impact on the protein function. Computational splicing tools suggest that this variant may not impact RNA splicing. To our knowledge, functional assays have not been performed for this variant nor has this variant been reported in individuals affected with hereditary cancer in the literature. This variant has not been identified in the general population by the Genome Aggregation Database (gnomAD). Available evidence is insufficient to determine the role of this variant in disease conclusively. Therefore, this variant is classified as a Variant of Uncertain Significance.